The following is an entry in ClinVar:

ClinVar aggregate classification (germline): Uncertain significance. Review status: criteria provided, single submitter (1 of 4 stars). 2 submissions from 2 submitters: Uncertain significance (1). 1 of the submissions does not count toward it. Last evaluated 2021-11-18.

Conditions:
Hereditary cancer-predisposing syndrome. Also called: Tumor predisposition; Hereditary neoplastic syndrome; Neoplastic Syndromes, Hereditary; Hereditary Cancer Syndrome. Identifiers: Orphanet 140162, MedGen C0027672, MeSH D009386, MONDO:0015356.
Fanconi anemia complementation group C (FANCC). Also called: FANCONI PANCYTOPENIA, TYPE 3; FACC; FANCC-Related Fanconi Anemia; Fanconi anemia, group C. Identifiers: Orphanet 84, MedGen C3468041, MONDO:0009213, OMIM 227645.

Submissions (2):

Ambry Genetics
Classification: Uncertain significance for Hereditary cancer-predisposing syndrome. Last evaluated: 2021-11-18. Review status: criteria provided, single submitter. Criteria: Ambry Variant Classification Scheme 2023. Collection method: clinical testing. Allele origin: germline.
Comment: The p.L425P variant (also known as c.1274T>C), located in coding exon 12 of the FANCC gene, results from a T to C substitution at nucleotide position 1274. The leucine at codon 425 is replaced by proline, an amino acid with similar properties. This amino acid position is highly conserved in available vertebrate species. In addition, this alteration is predicted to be deleterious by in silico analysis. Since supporting evidence is limited at this time, the clinical significance of this alteration remains unclear.

Natera, Inc.
Classification: Uncertain significance for Fanconi anemia, group C. Last evaluated: 2020-01-24. Review status: no assertion criteria provided. Collection method: clinical testing. Allele origin: germline. Not counted in ClinVar's aggregate classification.

NM_000136.3(FANCC):c.1274T>C (p.Leu425Pro)

Genes: FANCC (FA complementation group C; minus strand), AOPEP (aminopeptidase O (putative); plus strand). Cytogenetic location: 9q22.32.
Variant type: single nucleotide variant.
Coding change: c.1274T>C on transcript NM_000136.3 (MANE Select); coding-DNA position 1274, T replaced by C.
Protein change: p.Leu425Pro; replaces leucine 425 with proline.
Molecular consequence: missense variant.
Genome position (GRCh38, 1-based): chr9:95,111,518, A>G on the plus strand (T>C on the coding strand, the complement: FANCC is on the minus strand). VCF-style: chr9-95111518-A-G. GRCh37 (hg19) VCF-style: chr9-97873800-A-G.
Other names: c.1274T>C, p.Leu425Pro (NM_001243743.2, NM_001243744.2); short protein forms L425P.
Identifiers: ClinVar variation 818771 (VCV000818771.5), dbSNP rs1588047966, ClinGen allele CA374107333.